The following is an entry in ClinVar:

ClinVar aggregate classification (germline): Uncertain significance (1 of 4 stars; one submission).

Allele frequency attached by ClinVar (database versions not stated): ExAC 0.00002; gnomAD below 0.00001 and 0.00001; gnomAD exomes 0.00001.
gnomAD v4.1: 11 of 1,614,094 alleles (0.00068%); highest among the groups gnomAD compares: South Asian, 0.012%; no homozygotes.

Submission:

Labcorp Genetics (formerly Invitae), Labcorp
Classification: Uncertain significance. Last evaluated: 2019-10-03. Review status: criteria provided, single submitter. Criteria: Invitae Variant Classification Sherloc (09022015). Collection method: clinical testing. Allele origin: germline.
Comment: This sequence change replaces lysine with arginine at codon 172 of the FZD4 protein (p.Lys172Arg). The lysine residue is highly conserved and there is a small physicochemical difference between lysine and arginine. This variant is present in population databases (rs768939073, ExAC 0.01%). This variant has not been reported in the literature in individuals with FZD4-related conditions. Algorithms developed to predict the effect of missense changes on protein structure and function (SIFT, PolyPhen-2, Align-GVGD) all suggest that this variant is likely to be tolerated, but these predictions have not been confirmed by published functional studies and their clinical significance is uncertain. Algorithms developed to predict the effect of sequence changes on RNA splicing suggest that this variant may create or strengthen a splice site, but this prediction has not been confirmed by published transcriptional studies. In summary, the available evidence is currently insufficient to determine the role of this variant in disease. Therefore, it has been classified as a Variant of Uncertain Significance.

NM_012193.4(FZD4):c.515A>G (p.Lys172Arg)

Genes: FZD4 (frizzled class receptor 4; minus strand), PRSS23 (serine protease 23; plus strand). Cytogenetic location: 11q14.2.
Variant type: single nucleotide variant.
Coding change: c.515A>G on transcript NM_012193.4 (MANE Select); coding-DNA position 515, A replaced by G.
Protein change: p.Lys172Arg; replaces lysine 172 with arginine.
Molecular consequence: missense variant. On other transcripts: non-coding transcript variant (2).
Genome position (GRCh38, 1-based): chr11:86,952,241, T>C on the plus strand (A>G on the coding strand, the complement: FZD4 is on the minus strand). VCF-style: chr11-86952241-T-C. GRCh37 (hg19) VCF-style: chr11-86663283-T-C.
Other names: short protein forms K172R.
Identifiers: ClinVar variation 957344 (VCV000957344.9), dbSNP rs768939073, ClinGen allele CA6218449.
Genomic context (GRCh38, chr11:86,952,241, plus strand): 5'-ATGTACTGATCAGAATTGGTTCCCACAGAGTGACACTCTTCCCCAGGCTGGATGGGGGTT[T>C]TGTGAGGTAAGGGCACCTCTTCATCACCTGGCCCTTCCATGCACATGTGGTTGTGGTCGT-3'
Protein context (NP_036325.2, residues 162-182): PGDEEVPLPH[Lys172Arg]TPIQPGEECH